The following is an entry in ClinVar:

NM_000512.5(GALNS):c.631C>T (p.Gln211Ter)

Gene: GALNS (galactosamine (N-acetyl)-6-sulfatase; minus strand). Cytogenetic location: 16q24.3.
Variant type: single nucleotide variant.
Coding change: c.631C>T on transcript NM_000512.5 (MANE Select); coding-DNA position 631, C replaced by T.
Protein change: p.Gln211Ter; replaces glutamine 211 with a stop codon.
Molecular consequence: nonsense.
Genome position (GRCh38, 1-based): chr16:88,836,203, G>A on the plus strand (C>T on the coding strand, the complement: GALNS is on the minus strand). VCF-style: chr16-88836203-G-A. GRCh37 (hg19) VCF-style: chr16-88902611-G-A.
Other names: c.76C>T, p.Gln26Ter (NM_001323543.2); c.649C>T, p.Gln217Ter (NM_001323544.2); short protein forms Q211*, Q217*, Q26*.
Identifiers: ClinVar variation 1048465 (VCV001048465.6), dbSNP rs1912124497, ClinGen allele CA397081052.

ClinVar aggregate classification (germline): Pathogenic. Review status: criteria provided, multiple submitters, no conflicts (2 of 4 stars). 2 submissions from 2 submitters: Pathogenic (2). Last evaluated 2023-12-13.

Conditions:
Mucopolysaccharidosis, MPS-IV-A (MPS4A). Also called: Mucopolysaccharidosis type IV A; Mucopolysaccharidosis Type IVA; Morquio syndrome A, mild; MORQUIO SYNDROME A; MPS IVA; mucopolysaccharidosis type 4A. Identifiers: Orphanet 309297, Orphanet 582, MedGen C0086651, MONDO:0009659, OMIM 253000.

Allele frequency attached by ClinVar (database versions not stated): gnomAD exomes below 0.00001.

Submissions (2):

Labcorp Genetics (formerly Invitae), Labcorp
Classification: Pathogenic for Mucopolysaccharidosis, MPS-IV-A. Last evaluated: 2023-12-13. Review status: criteria provided, single submitter. Criteria: Invitae Variant Classification Sherloc (09022015). Collection method: clinical testing. Allele origin: germline.
Comment: This sequence change creates a premature translational stop signal (p.Gln211*) in the GALNS gene. It is expected to result in an absent or disrupted protein product. Loss-of-function variants in GALNS are known to be pathogenic (PMID: 12442278). This variant is not present in population databases (gnomAD no frequency). This premature translational stop signal has been observed in individual(s) with mucopolysaccharidosis type IVA (PMID: 15241807). ClinVar contains an entry for this variant (Variation ID: 1048465). Algorithms developed to predict the effect of sequence changes on RNA splicing suggest that this variant may disrupt the consensus splice site. For these reasons, this variant has been classified as Pathogenic.

Laboratory of Diagnosis and Therapy of Lysosomal Disorders, University of Padova
Classification: Pathogenic for Mucopolysaccharidosis, MPS-IV-A. Last evaluated: 2021-02-01. Review status: criteria provided, single submitter. Criteria: ACMG Guidelines, 2015. Collection method: curation. Allele origin: germline. Affected: yes.
Comment: Nonsense variant (PVS1_very strong); in vitro functional studies supportive of a damaging effect on the gene product (RNA studies; PS3_supporting); absent from gnomAD v2.1.1 (PM2_moderate)

Literature cited by the submitters: PubMed 12442278 (cited by Labcorp Genetics (formerly Invitae), Labcorp); PubMed 15241807 (cited by Labcorp Genetics (formerly Invitae), Labcorp and Laboratory of Diagnosis and Therapy of Lysosomal Disorders, University of Padova); PubMed 25545067 (cited by Laboratory of Diagnosis and Therapy of Lysosomal Disorders, University of Padova); PubMed 34387910 (cited by Laboratory of Diagnosis and Therapy of Lysosomal Disorders, University of Padova).